The following is an entry in ClinVar:

NM_020366.4(RPGRIP1):c.2036C>T (p.Thr679Ile)

Gene: RPGRIP1 (RPGR interacting protein 1; plus strand). Cytogenetic location: 14q11.2.
Variant type: single nucleotide variant.
Coding change: c.2036C>T on transcript NM_020366.4 (MANE Select); coding-DNA position 2036, C replaced by T.
Protein change: p.Thr679Ile; replaces threonine 679 with isoleucine.
Molecular consequence: missense variant. On other transcripts: intron variant (4).
Genome position (GRCh38, 1-based): chr14:21,324,891, C>T. VCF-style: chr14-21324891-C-T. GRCh37 (hg19) VCF-style: chr14-21793050-C-T.
Other names: c.962C>T, p.Thr321Ile (NM_001377948.1); c.796+166C>T (NM_001377949.1); c.689-2732C>T (NM_001377523.1, NM_001377950.1); c.191-2732C>T (NM_001377951.1); short protein forms T321I, T679I.
Identifiers: ClinVar variation 1428868 (VCV001428868.6), dbSNP rs2139228509, ClinGen allele CA388867682.

ClinVar aggregate classification (germline): Uncertain significance (1 of 4 stars; one submission).

Conditions:
Leber congenital amaurosis 6 (LCA6). Identifiers: Orphanet 65, MedGen C1854260, MONDO:0013446, OMIM 613826.
Cone-rod dystrophy 13 (CORD13). Identifiers: Orphanet 1872, MedGen C2750720, MONDO:0011987, OMIM 608194.

Submission:

Labcorp Genetics (formerly Invitae), Labcorp
Classification: Uncertain significance for Leber congenital amaurosis 6; Cone-rod dystrophy 13. Last evaluated: 2021-12-09. Review status: criteria provided, single submitter. Criteria: Invitae Variant Classification Sherloc (09022015). Collection method: clinical testing. Allele origin: germline.
Comment: In summary, the available evidence is currently insufficient to determine the role of this variant in disease. Therefore, it has been classified as a Variant of Uncertain Significance. Algorithms developed to predict the effect of missense changes on protein structure and function (SIFT, PolyPhen-2, Align-GVGD) all suggest that this variant is likely to be disruptive. This missense change has been observed in individual(s) with cone rod dystrophy (Invitae). This variant is not present in population databases (gnomAD no frequency). This sequence change replaces threonine, which is neutral and polar, with isoleucine, which is neutral and non-polar, at codon 679 of the RPGRIP1 protein (p.Thr679Ile).